The following is an entry in ClinVar:

NM_182914.3(SYNE2):c.17523C>A (p.His5841Gln)

Gene: SYNE2 (spectrin repeat containing nuclear envelope protein 2; plus strand). Cytogenetic location: 14q23.2.
Variant type: single nucleotide variant.
Coding change: c.17523C>A on transcript NM_182914.3 (MANE Select); coding-DNA position 17523, C replaced by A.
Protein change: p.His5841Gln; replaces histidine 5841 with glutamine.
Molecular consequence: missense variant.
Genome position (GRCh38, 1-based): chr14:64,177,450, C>A. VCF-style: chr14-64177450-C-A. GRCh37 (hg19) VCF-style: chr14-64644168-C-A.
Other names: c.17523C>A, p.His5841Gln (NM_015180.6); short protein forms H5841Q.
Identifiers: ClinVar variation 2045682 (VCV002045682.4), dbSNP rs202141038, ClinGen allele CA389985371.

ClinVar aggregate classification (germline): Uncertain significance (1 of 4 stars; one submission).

Conditions:
Emery-Dreifuss muscular dystrophy 5, autosomal dominant (EDMD5). Also called: EMERY-DREIFUSS MUSCULAR DYSTROPHY 5. Identifiers: Orphanet 261, MedGen C2751805, MONDO:0013072, OMIM 612999.

Submission:

Labcorp Genetics (formerly Invitae), Labcorp
Classification: Uncertain significance for Emery-Dreifuss muscular dystrophy 5, autosomal dominant. Last evaluated: 2023-08-04. Review status: criteria provided, single submitter. Criteria: Invitae Variant Classification Sherloc (09022015). Collection method: clinical testing. Allele origin: germline.
Comment: In summary, the available evidence is currently insufficient to determine the role of this variant in disease. Therefore, it has been classified as a Variant of Uncertain Significance. An algorithm developed to predict the effect of missense changes on protein structure and function (PolyPhen-2) suggests that this variant is likely to be disruptive. ClinVar contains an entry for this variant (Variation ID: 2045682). This variant has not been reported in the literature in individuals affected with SYNE2-related conditions. This variant is not present in population databases (gnomAD no frequency). This sequence change replaces histidine, which is basic and polar, with glutamine, which is neutral and polar, at codon 5841 of the SYNE2 protein (p.His5841Gln).